The following is an entry in ClinVar:

ClinVar aggregate classification (germline): Benign/Likely benign. Review status: criteria provided, multiple submitters, no conflicts (2 of 4 stars). 3 submissions from 3 submitters: Benign (1); Likely benign (2). Last evaluated 2024-05-21.

Conditions:
Hereditary cancer-predisposing syndrome. Also called: Tumor predisposition; Neoplastic Syndromes, Hereditary; Hereditary Cancer Syndrome; Hereditary neoplastic syndrome. Identifiers: Orphanet 140162, MedGen C0027672, MeSH D009386, MONDO:0015356.
Familial cancer of breast. Also called: BREAST CANCER, FAMILIAL; hereditary breast carcinoma; Hereditary breast cancer. Identifiers: Orphanet 227535, MedGen C0346153, MONDO:0016419, OMIM 114480. Disease mechanism: loss of function.
Ataxia-telangiectasia syndrome (AT). Also called: Ataxia-telangiectasia; Ataxia-telangiectasia, complementation group D; AT, COMPLEMENTATION GROUP C; LOUIS-BAR SYNDROME; Cerebello-oculocutaneous telangiectasia; Immunodeficiency with ataxia telangiectasia. Identifiers: Orphanet 100, MedGen C0004135, MONDO:0008840, OMIM 208900.

Allele frequency attached by ClinVar (database versions not stated): gnomAD exomes below 0.00001; ExAC 0.00001.
gnomAD v4.1: 1 of 1,613,994 alleles (0.000062%); no homozygotes.

Submissions (3):

Myriad Genetics, Inc.
Classification: Benign for Familial cancer of breast. Last evaluated: 2024-05-21. Review status: criteria provided, single submitter. Criteria: Myriad Autosomal Dominant, Autosomal Recessive and X-Linked Classification Criteria (2023). Collection method: clinical testing. Allele origin: unknown.
Comment: This variant is considered benign. This variant is a silent/synonymous amino acid change and it is not expected to impact splicing.

Labcorp Genetics (formerly Invitae), Labcorp
Classification: Likely benign for Ataxia-telangiectasia syndrome. Last evaluated: 2023-02-05. Review status: criteria provided, single submitter. Criteria: Invitae Variant Classification Sherloc (09022015). Collection method: clinical testing. Allele origin: germline.

Color Diagnostics, LLC DBA Color Health
Classification: Likely benign for Hereditary cancer-predisposing syndrome. Last evaluated: 2017-09-22. Review status: criteria provided, single submitter. Criteria: ACMG Guidelines, 2015. Collection method: clinical testing. Allele origin: germline.

NM_000051.4(ATM):c.4861C>T (p.Leu1621=)

Gene: ATM (ATM serine/threonine kinase; plus strand). Cytogenetic location: 11q22.3.
Variant type: single nucleotide variant.
Coding change: c.4861C>T on transcript NM_000051.4 (MANE Select); coding-DNA position 4861, C replaced by T.
Protein change: p.Leu1621=; no amino-acid change (leucine 1621 retained).
Molecular consequence: synonymous variant.
Genome position (GRCh38, 1-based): chr11:108,295,011, C>T. VCF-style: chr11-108295011-C-T. GRCh37 (hg19) VCF-style: chr11-108165738-C-T.
Other names: c.4861C>T, p.Leu1621= (NM_001351834.2).
Identifiers: ClinVar variation 490586 (VCV000490586.7), dbSNP rs759289039, ClinGen allele CA6265567.